The following is an entry in ClinVar:

NM_001374385.1(ATP8B1):c.595G>A (p.Val199Ile)

Gene: ATP8B1 (ATPase phospholipid transporting 8B1; minus strand). Cytogenetic location: 18q21.31.
Variant type: single nucleotide variant.
Coding change: c.595G>A on transcript NM_001374385.1 (MANE Select); coding-DNA position 595, G replaced by A.
Protein change: p.Val199Ile; replaces valine 199 with isoleucine.
Molecular consequence: missense variant.
Genome position (GRCh38, 1-based): chr18:57,697,827, C>T on the plus strand (G>A on the coding strand, the complement: ATP8B1 is on the minus strand). VCF-style: chr18-57697827-C-T. GRCh37 (hg19) VCF-style: chr18-55365059-C-T.
Other names: c.445G>A, p.Val149Ile (NM_001374386.1); c.595G>A, p.Val199Ile (NM_005603.6); short protein forms V199I, V149I.
Identifiers: ClinVar variation 4979026 (VCV004979026.1).

ClinVar aggregate classification (germline): Uncertain significance (1 of 4 stars; one submission).

Conditions:
ATP8B1-related disorder. Also called: ATP8B1-related condition; ATP8B1-related disorders.

gnomAD v4.1: 23 of 1,613,768 alleles (0.0014%); highest among the groups gnomAD compares: South Asian, 0.0055%; no homozygotes.

Submission:

PreventionGenetics, part of Exact Sciences
Classification: Uncertain significance for ATP8B1-related condition. Last evaluated: 2026-06-18. Review status: criteria provided, single submitter. Criteria: ACMG Guidelines, 2015. Collection method: clinical testing. Allele origin: germline.
Comment: The ATP8B1 c.595G>A variant is predicted to result in the amino acid substitution p.Val199Ile. To our knowledge, this variant has not been reported in the literature. This variant is reported in 0.0098% of alleles in individuals of South Asian descent in gnomAD. At this time, the clinical significance of this variant is uncertain due to the absence of conclusive functional and genetic evidence.